The following is an entry in ClinVar:

NM_001163435.3(TBCK):c.158T>C (p.Leu53Pro)

Gene: TBCK (TBC1 domain containing kinase; minus strand). Cytogenetic location: 4q24.
Variant type: single nucleotide variant.
Coding change: c.158T>C on transcript NM_001163435.3 (MANE Select); coding-DNA position 158, T replaced by C.
Protein change: p.Leu53Pro; replaces leucine 53 with proline.
Molecular consequence: missense variant. On other transcripts: 5 prime UTR variant (1).
Genome position (GRCh38, 1-based): chr4:106,308,803, A>G on the plus strand (T>C on the coding strand, the complement: TBCK is on the minus strand). VCF-style: chr4-106308803-A-G. GRCh37 (hg19) VCF-style: chr4-107229960-A-G.
Other names: c.158T>C, p.Leu53Pro (NM_001163436.4, NM_001163437.3, NM_033115.5); c.-460T>C (NM_001290768.2); short protein forms L53P.
Identifiers: ClinVar variation 2002255 (VCV002002255.4), dbSNP rs2479213471, ClinGen allele CA357973959.

ClinVar aggregate classification (germline): Uncertain significance (1 of 4 stars; one submission).

Allele frequency attached by ClinVar (database versions not stated): gnomAD exomes below 0.00001.
gnomAD v4.1: 1 of 1,614,060 alleles (0.000062%); highest among the groups gnomAD compares: African/African-American, 0.0013%; no homozygotes.

Submission:

Labcorp Genetics (formerly Invitae), Labcorp
Classification: Uncertain significance. Last evaluated: 2022-06-03. Review status: criteria provided, single submitter. Criteria: Invitae Variant Classification Sherloc (09022015). Collection method: clinical testing. Allele origin: germline.
Comment: In summary, the available evidence is currently insufficient to determine the role of this variant in disease. Therefore, it has been classified as a Variant of Uncertain Significance. Algorithms developed to predict the effect of missense changes on protein structure and function (SIFT, PolyPhen-2, Align-GVGD) all suggest that this variant is likely to be disruptive. This variant has not been reported in the literature in individuals affected with TBCK-related conditions. This variant is not present in population databases (gnomAD no frequency). This sequence change replaces leucine, which is neutral and non-polar, with proline, which is neutral and non-polar, at codon 53 of the TBCK protein (p.Leu53Pro).